The following is an entry in ClinVar:

NM_021098.3(CACNA1H):c.6007_6015del (p.Thr2003_Arg2005del)

Gene: CACNA1H (calcium voltage-gated channel subunit alpha1 H; plus strand). Cytogenetic location: 16p13.3.
Variant type: Deletion.
Coding change: c.6007_6015del on transcript NM_021098.3 (MANE Select); coding-DNA positions 6007 to 6015, 9 bases deleted (ACAGCCCGC; older notation c.6007_6015delACAGCCCGC).
Protein change: p.Thr2003_Arg2005del.
Molecular consequence: inframe deletion.
Genome position (GRCh38, 1-based): chr16:1,219,089-1,219,097, ACAGCCCGC deleted; deleting any 9 consecutive bases within chr16:1,219,087-1,219,097 gives the same sequence; the c. name uses the placement nearest the transcript's 3' end. VCF-style (leftmost placement, unchanged base first): chr16-1219086-GGCACAGCCC-G. GRCh37 (hg19) VCF-style: chr16-1269086-GGCACAGCCC-G.
Other names: c.5989_5997del, p.Thr1997_Arg1999del (NM_001005407.2).
Identifiers: ClinVar variation 2951302 (VCV002951302.3), dbSNP rs2548731118, ClinGen allele CA2740096814.

ClinVar aggregate classification (germline): Uncertain significance (1 of 4 stars; one submission).

Conditions:
Idiopathic generalized epilepsy. Also called: Generalised epilepsy; EIG. Identifiers: MedGen C0270850, MONDO:0005579, OMIM 600669.
Hyperaldosteronism, familial, type IV (HALD4). Also called: FH IV; ALDOSTERONISM, PRIMARY, AND HYPERTENSION. Identifiers: Orphanet 642671, MedGen C4310756, MONDO:0014875, OMIM 617027.

Submission:

Labcorp Genetics (formerly Invitae), Labcorp
Classification: Uncertain significance for Idiopathic generalized epilepsy; Hyperaldosteronism, familial, type IV. Last evaluated: 2023-08-27. Review status: criteria provided, single submitter. Criteria: Invitae Variant Classification Sherloc (09022015). Collection method: clinical testing. Allele origin: germline.
Comment: In summary, the available evidence is currently insufficient to determine the role of this variant in disease. Therefore, it has been classified as a Variant of Uncertain Significance. Experimental studies and prediction algorithms are not available or were not evaluated, and the functional significance of this variant is currently unknown. This variant has not been reported in the literature in individuals affected with CACNA1H-related conditions. This variant is not present in population databases (gnomAD no frequency). This variant, c.6007_6015del, results in the deletion of 3 amino acid(s) of the CACNA1H protein (p.Thr2003_Arg2005del), but otherwise preserves the integrity of the reading frame.